The following is an entry in ClinVar:

NM_000489.6(ATRX):c.1384G>T (p.Ala462Ser)

Gene: ATRX (ATRX chromatin remodeler; minus strand). Cytogenetic location: Xq21.1.
Variant type: single nucleotide variant.
Coding change: c.1384G>T on transcript NM_000489.6 (MANE Select); coding-DNA position 1384, G replaced by T.
Protein change: p.Ala462Ser; replaces alanine 462 with serine.
Molecular consequence: missense variant.
Genome position (GRCh38, 1-based): chrX:77,683,872, C>A on the plus strand (G>T on the coding strand, the complement: ATRX is on the minus strand). VCF-style: chrX-77683872-C-A. GRCh37 (hg19) VCF-style: chrX-76939364-C-A.
Other names: c.1270G>T, p.Ala424Ser (NM_138270.5); short protein forms A424S, A462S.
Identifiers: ClinVar variation 4681029 (VCV004681029.1).

ClinVar aggregate classification (germline): Uncertain significance (1 of 4 stars; one submission).

Submission:

GeneDx
Classification: Uncertain significance. Last evaluated: 2025-07-01. Review status: criteria provided, single submitter. Criteria: GeneDx Variant Classification Process June 2021. Collection method: clinical testing. Allele origin: germline. Affected: yes.
Comment: Not observed at significant frequency in large population cohorts (gnomAD); In silico analysis suggests that this missense variant does not alter protein structure/function; Has not been previously published as pathogenic or benign to our knowledge